The following is an entry in ClinVar:

NM_020166.5(MCCC1):c.1594+6G>C

Gene: MCCC1 (methylcrotonyl-CoA carboxylase subunit 1; minus strand). Cytogenetic location: 3q27.1.
Variant type: single nucleotide variant.
Coding change: c.1594+6G>C on transcript NM_020166.5 (MANE Select); 6 bases into the intron after coding-DNA position 1594, G replaced by C.
Molecular consequence: intron variant.
Genome position (GRCh38, 1-based): chr3:183,037,212, C>G on the plus strand (G>C on the coding strand, the complement: MCCC1 is on the minus strand). VCF-style: chr3-183037212-C-G. GRCh37 (hg19) VCF-style: chr3-182755000-C-G.
Other names: c.1267+6G>C (NM_001363880.1); c.1243+6G>C (NM_001293273.2).
Identifiers: ClinVar variation 1471737 (VCV001471737.5), dbSNP rs777825199, ClinGen allele CA2718740.
Genomic context (GRCh38, chr3:183,037,212, plus strand): 5'-GAAAAGCATGTTCAATGATGATTTGCAAAACTTGACAAGCAGAGGAAAGAGAAAAGCCTT[C>G]CATACCATGTGCCTGAAGAGTGAAAGTGTCGGTCATGGCTTTCTCCTTGAGGATGAGACC-3'

ClinVar aggregate classification (germline): Uncertain significance (1 of 4 stars; one submission).

Conditions:
3-methylcrotonyl-CoA carboxylase 1 deficiency (MCC1D). Also called: MCC 1 deficiency; 3 Alpha methylcrotonylglycinuria 1; MCCD TYPE 1; METHYLCROTONYLGLYCINURIA TYPE I. Identifiers: Orphanet 6, MedGen CN028786, MONDO:0008861, OMIM 210200.

Allele frequency attached by ClinVar (database versions not stated): gnomAD exomes below 0.00001 and 0.00001; TOPMed below 0.00001; gnomAD 0.00001; ExAC 0.00002.
gnomAD v4.1: 6 of 1,612,874 alleles (0.00037%); highest among the groups gnomAD compares: Non-Finnish European, 0.00042%; no homozygotes.

Submission:

Labcorp Genetics (formerly Invitae), Labcorp
Classification: Uncertain significance for 3-methylcrotonyl-CoA carboxylase 1 deficiency. Last evaluated: 2024-11-05. Review status: criteria provided, single submitter. Criteria: Invitae Variant Classification Sherloc (09022015). Collection method: clinical testing. Allele origin: germline.
Comment: This sequence change falls in intron 13 of the MCCC1 gene. It does not directly change the encoded amino acid sequence of the MCCC1 protein. It affects a nucleotide within the consensus splice site. This variant is present in population databases (rs777825199, gnomAD 0.002%). This variant has not been reported in the literature in individuals affected with MCCC1-related conditions. ClinVar contains an entry for this variant (Variation ID: 1471737). Variants that disrupt the consensus splice site are a relatively common cause of aberrant splicing (PMID: 17576681, 9536098). Algorithms developed to predict the effect of sequence changes on RNA splicing suggest that this variant is not likely to affect RNA splicing. In summary, the available evidence is currently insufficient to determine the role of this variant in disease. Therefore, it has been classified as a Variant of Uncertain Significance.

Literature cited by the submitters: PubMed 17576681; PubMed 9536098.